The following is an entry in ClinVar:

ClinVar aggregate classification (germline): Uncertain significance. Review status: criteria provided, multiple submitters, no conflicts (2 of 4 stars). 2 submissions from 2 submitters: Uncertain significance (2). Last evaluated 2024-10-15.

Conditions:
Inborn genetic diseases. Identifiers: MedGen C0950123, MeSH D030342.

Allele frequency attached by ClinVar (database versions not stated): gnomAD 0.00001; gnomAD exomes 0.00001; TOPMed 0.00001; ExAC 0.00002.
gnomAD v4.1: 19 of 1,613,968 alleles (0.0012%); highest among the groups gnomAD compares: East Asian, 0.0089%; no homozygotes.

Submissions (2):

Labcorp Genetics (formerly Invitae), Labcorp
Classification: Uncertain significance. Last evaluated: 2024-10-15. Review status: criteria provided, single submitter. Criteria: Invitae Variant Classification Sherloc (09022015). Collection method: clinical testing. Allele origin: germline.
Comment: This sequence change replaces glycine, which is neutral and non-polar, with serine, which is neutral and polar, at codon 255 of the MDH2 protein (p.Gly255Ser). This variant is present in population databases (rs782332733, gnomAD 0.007%). This variant has not been reported in the literature in individuals affected with MDH2-related conditions. ClinVar contains an entry for this variant (Variation ID: 1408416). Invitae Evidence Modeling of protein sequence and biophysical properties (such as structural, functional, and spatial information, amino acid conservation, physicochemical variation, residue mobility, and thermodynamic stability) indicates that this missense variant is not expected to disrupt MDH2 protein function with a negative predictive value of 80%. In summary, the available evidence is currently insufficient to determine the role of this variant in disease. Therefore, it has been classified as a Variant of Uncertain Significance.

Ambry Genetics
Classification: Uncertain significance for Inborn genetic diseases. Last evaluated: 2023-09-17. Review status: criteria provided, single submitter. Criteria: Ambry Variant Classification Scheme 2023. Collection method: clinical testing. Allele origin: germline.
Comment: The p.G255S variant (also known as c.763G>A), located in coding exon 8 of the MDH2 gene, results from a G to A substitution at nucleotide position 763. The glycine at codon 255 is replaced by serine, an amino acid with similar properties. This amino acid position is conserved. In addition, this alteration is predicted to be deleterious by in silico analysis. Since supporting evidence is limited at this time, the clinical significance of this alteration remains unclear.

NM_005918.4(MDH2):c.763G>A (p.Gly255Ser)

Gene: MDH2 (malate dehydrogenase 2; plus strand). Cytogenetic location: 7q11.23.
Variant type: single nucleotide variant.
Coding change: c.763G>A on transcript NM_005918.4 (MANE Select); coding-DNA position 763, G replaced by A.
Protein change: p.Gly255Ser; replaces glycine 255 with serine.
Molecular consequence: missense variant.
Genome position (GRCh38, 1-based): chr7:76,064,831, G>A. VCF-style: chr7-76064831-G-A. GRCh37 (hg19) VCF-style: chr7-75694149-G-A.
Other names: c.637G>A, p.Gly213Ser (NM_001282403.2); c.442G>A, p.Gly148Ser (NM_001282404.2); short protein forms G255S, G213S, G148S.
Identifiers: ClinVar variation 1408416 (VCV001408416.7), dbSNP rs782332733, ClinGen allele CA4305704.